The following is an entry in ClinVar:

ClinVar aggregate classification (germline): Uncertain significance (1 of 4 stars; one submission).

Submission:

Labcorp Genetics (formerly Invitae), Labcorp
Classification: Uncertain significance. Last evaluated: 2025-09-02. Review status: criteria provided, single submitter. Criteria: Invitae Variant Classification Sherloc (09022015). Collection method: clinical testing. Allele origin: germline.
Comment: This variant, c.1064_1090del, results in the deletion of 9 amino acid(s) of the PRDM13 protein (p.His355_His363del), but otherwise preserves the integrity of the reading frame. This variant is not present in population databases (gnomAD no frequency). This variant has not been reported in the literature in individuals affected with PRDM13-related conditions. ClinVar contains an entry for this variant (Variation ID: 1448197). Experimental studies and prediction algorithms are not available or were not evaluated, and the functional significance of this variant is currently unknown. In summary, the available evidence is currently insufficient to determine the role of this variant in disease. Therefore, it has been classified as a Variant of Uncertain Significance.

NM_021620.4(PRDM13):c.1064_1090del (p.His355_His363del)

Genes: PRDM13 (PR/SET domain 13; plus strand), LOC129996881 (ATAC-STARR-seq lymphoblastoid silent region 17422; plus strand). Cytogenetic location: 6q16.2.
Variant type: Deletion.
Coding change: c.1064_1090del on transcript NM_021620.4 (MANE Select); coding-DNA positions 1064 to 1090, 27 bases deleted (ACCACCACGCGCACCACCACCACCATC).
Protein change: p.His355_His363del.
Molecular consequence: inframe deletion.
Genome position (GRCh38, 1-based): chr6:99,613,699-99,613,725, ACCACCACGCGCACCACCACCACCATC deleted; deleting any 27 consecutive bases within chr6:99,613,689-99,613,725 gives the same sequence; the c. name uses the placement nearest the transcript's 3' end. VCF-style (leftmost placement, unchanged base first): chr6-99613688-TCACCACCATCACCACCACGCGCACCAC-T. GRCh37 (hg19) VCF-style: chr6-100061564-TCACCACCATCACCACCACGCGCACCAC-T.
Identifiers: ClinVar variation 1448197 (VCV001448197.6), dbSNP rs1770073599, ClinGen allele CA1650230962.
Genomic context (GRCh38, chr6:99,613,688, plus strand): 5'-CGGGGGCCGGGCGTGCGGGCGCCCCGGGAGCGGGGAGAACTCGGCGGCGGGCGGCGCGGG[TCACCACCATCACCACCACGCGCACCAC>T]CACCACCATCCCAAGTGCCTGCTCGCTGGGGACCCGCCGCCGCCGCCGCCGCCTGGCCTG-3'